The following is an entry in ClinVar:

NM_013386.5(SLC25A24):c.842AAG[1] (p.Glu282del)

Gene: SLC25A24 (solute carrier family 25 member 24; minus strand). Cytogenetic location: 1p13.3.
Variant type: Microsatellite.
Coding change: c.842AAG[1] on transcript NM_013386.5 (MANE Select); one copy of the 3-base unit AAG starting at c.842; the reference has two copies in a row; one copy, 3 bases deleted.
Protein change: p.Glu282del; deletes glutamic acid 282.
Molecular consequence: inframe deletion.
Genome position (GRCh38, 1-based): chr1:108,148,362-108,148,364, CTT deleted on the plus strand (AAG on the coding strand, the reverse complement: SLC25A24 is on the minus strand); deleting any 3 consecutive bases within chr1:108,148,362-108,148,368 gives the same sequence; the position shown is the placement nearest the transcript's 3' end. VCF-style (leftmost placement, unchanged base first): chr1-108148361-CCTT-C. GRCh37 (hg19) VCF-style: chr1-108690983-CCTT-C.
Other names: c.785AAG[1], p.Glu263del (NM_213651.3); short protein forms E263del, E282del.
Identifiers: ClinVar variation 1675002 (VCV001675002.9), dbSNP rs781092686, ClinGen allele CA979171.

ClinVar aggregate classification (germline): Likely benign. Review status: criteria provided, multiple submitters, no conflicts (2 of 4 stars). 2 submissions from 2 submitters: Likely benign (2). Last evaluated 2026-09-01.

Submissions (2):

CeGaT Center for Human Genetics Tuebingen
Classification: Likely benign. Last evaluated: 2026-09-01. Review status: criteria provided, single submitter. Criteria: CeGaT Center For Human Genetics Tuebingen Variant Classification Criteria Version 2. Collection method: clinical testing. Allele origin: germline. Affected: yes. Observed: 1 variant allele.
Comment: SLC25A24: PM4:Supporting, BS1

Labcorp Genetics (formerly Invitae), Labcorp
Classification: Likely benign. Last evaluated: 2025-02-14. Review status: criteria provided, single submitter. Criteria: Invitae Variant Classification Sherloc (09022015). Collection method: clinical testing. Allele origin: germline.